The following is an entry in ClinVar:

ClinVar aggregate classification (germline): Likely benign (1 of 4 stars; one submission).

Allele frequency attached by ClinVar (database versions not stated): gnomAD 0.00018.

Submission:

CeGaT Center for Human Genetics Tuebingen
Classification: Likely benign. Last evaluated: 2023-07-01. Review status: criteria provided, single submitter. Criteria: CeGaT Center For Human Genetics Tuebingen Variant Classification Criteria Version 2. Collection method: clinical testing. Allele origin: germline. Affected: yes. Observed: 1 variant allele.
Comment: FAM66B: BS2

NC_000008.11:g.7222155C>G

Gene: LOC101928095 (uncharacterized LOC101928095; minus strand). Cytogenetic location: 8p23.1.
Variant type: single nucleotide variant.
Genome position: GRCh38 VCF-style: chr8-7222155-C-G. GRCh37 (hg19) VCF-style: chr8-7079677-C-G.
Identifiers: ClinVar variation 2658354 (VCV002658354.24), dbSNP rs1315139164, ClinGen allele CA579860099.
Genomic context (GRCh38, chr8:7,222,155, plus strand): 5'-GCGCCCTCTTCTGGCCGCTCTCGCGCACCTCCGCCACGCCGGGCCCAGGCCTGCGCAGCT[C>G]TCACATGTCCTGGCCCAGGAGGTCGCTGTCCCTTGCCCATGGACAGGCCCTCTCTGGCAA-3'